The following is an entry in ClinVar:

NM_001211.6(BUB1B):c.952T>G (p.Ser318Ala)

Gene: BUB1B (BUB1 mitotic checkpoint serine/threonine kinase B; plus strand). Cytogenetic location: 15q15.1.
Variant type: single nucleotide variant.
Coding change: c.952T>G on transcript NM_001211.6 (MANE Select); coding-DNA position 952, T replaced by G.
Protein change: p.Ser318Ala; replaces serine 318 with alanine.
Molecular consequence: missense variant.
Genome position (GRCh38, 1-based): chr15:40,185,365, T>G. VCF-style: chr15-40185365-T-G. GRCh37 (hg19) VCF-style: chr15-40477566-T-G.
Other names: short protein forms S318A.
Identifiers: ClinVar variation 2462465 (VCV002462465.3), dbSNP rs1595519832, ClinGen allele CA391684852.
Genomic context (GRCh38, chr15:40,185,365, plus strand): 5'-CCCCCCATGCCCAGGGCCAAAGAGAATGAGCTGCAAGCAGGCCCTTGGAACACAGGCAGG[T>G]CCTTGGAACACAGGGTAAGGACTCTTAGATCCAGTGCTTTGCTGACACAACAAAGACTTC-3'
Protein context (NP_001202.5, residues 308-328): LQAGPWNTGR[Ser318Ala]LEHRPRGNTA

ClinVar aggregate classification (germline): Uncertain significance (1 of 4 stars; one submission).

Conditions:
Inborn genetic diseases. Identifiers: MedGen C0950123, MeSH D030342.

Allele frequency attached by ClinVar (database versions not stated): gnomAD exomes below 0.00001.
gnomAD v4.1: 4 of 1,614,070 alleles (0.00025%); highest among the groups gnomAD compares: Non-Finnish European, 0.00034%; no homozygotes.

Submission:

Ambry Genetics
Classification: Uncertain significance for Inborn genetic diseases. Last evaluated: 2025-06-12. Review status: criteria provided, single submitter. Criteria: Ambry Variant Classification Scheme 2023. Collection method: clinical testing. Allele origin: germline.
Comment: The p.S318A variant (also known as c.952T>G), located in coding exon 7 of the BUB1B gene, results from a T to G substitution at nucleotide position 952. The serine at codon 318 is replaced by alanine, an amino acid with similar properties. This amino acid position is conserved. In addition, this alteration is predicted to be tolerated by in silico analysis. Since supporting evidence is limited at this time, the clinical significance of this alteration remains unclear.